The following is an entry in ClinVar:

NM_031263.4(HNRNPK):c.1097G>C (p.Gly366Ala)

Gene: HNRNPK (heterogeneous nuclear ribonucleoprotein K; minus strand). Cytogenetic location: 9q21.32.
Variant type: single nucleotide variant.
Coding change: c.1097G>C on transcript NM_031263.4 (MANE Select); coding-DNA position 1097, G replaced by C.
Protein change: p.Gly366Ala; replaces glycine 366 with alanine.
Molecular consequence: missense variant.
Genome position (GRCh38, 1-based): chr9:83,970,908, C>G on the plus strand (G>C on the coding strand, the complement: HNRNPK is on the minus strand). VCF-style: chr9-83970908-C-G. GRCh37 (hg19) VCF-style: chr9-86585823-C-G.
Other names: c.1025G>C, p.Gly342Ala (NM_001318186.2, NM_001318187.2); c.1097G>C, p.Gly366Ala (NM_001318188.2, NM_002140.5, NM_031262.4); short protein forms G366A, G342A.
Identifiers: ClinVar variation 2789202 (VCV002789202.3), dbSNP rs1230832254, ClinGen allele CA373920887.
Genomic context (GRCh38, chr9:83,970,908, plus strand): 5'-TTTAAAAAGTATGAAATTAATGTTTGACTTCACAAAGGAGAGAACTTACCATATCCGGAG[C>G]CACCCTAAAAACAGAAAGAAAAAAATAGAAAATTACTTTGCCGTTGTAATTACTACCGGT-3'
Protein context (NP_112553.1, residues 356-376): EWQMAYEPQG[Gly366Ala]SGYDYSYAGG

ClinVar aggregate classification (germline): Uncertain significance (1 of 4 stars; one submission).

Allele frequency attached by ClinVar (database versions not stated): gnomAD exomes below 0.00001.
gnomAD v4.1: 1 of 1,612,806 alleles (0.000062%); highest among the groups gnomAD compares: Admixed American, 0.0017%; no homozygotes.

Submission:

Labcorp Genetics (formerly Invitae), Labcorp
Classification: Uncertain significance. Last evaluated: 2023-06-25. Review status: criteria provided, single submitter. Criteria: Invitae Variant Classification Sherloc (09022015). Collection method: clinical testing. Allele origin: germline.
Comment: This sequence change replaces glycine, which is neutral and non-polar, with alanine, which is neutral and non-polar, at codon 366 of the HNRNPK protein (p.Gly366Ala). This variant is present in population databases (no rsID available, gnomAD 0.003%). This variant has not been reported in the literature in individuals affected with HNRNPK-related conditions. An algorithm developed to predict the effect of missense changes on protein structure and function (PolyPhen-2) suggests that this variant is likely to be tolerated. In summary, the available evidence is currently insufficient to determine the role of this variant in disease. Therefore, it has been classified as a Variant of Uncertain Significance.